The following is an entry in ClinVar:

NM_005535.3(IL12RB1):c.1840C>T (p.Gln614Ter)

Gene: IL12RB1 (interleukin 12 receptor subunit beta 1; minus strand). Cytogenetic location: 19p13.11.
Variant type: single nucleotide variant.
Coding change: c.1840C>T on transcript NM_005535.3 (MANE Select); coding-DNA position 1840, C replaced by T.
Protein change: p.Gln614Ter; replaces glutamine 614 with a stop codon.
Molecular consequence: nonsense.
Genome position (GRCh38, 1-based): chr19:18,060,037, G>A on the plus strand (C>T on the coding strand, the complement: IL12RB1 is on the minus strand). VCF-style: chr19-18060037-G-A. GRCh37 (hg19) VCF-style: chr19-18170847-G-A.
Other names: c.1840C>T, p.Gln614Ter (NM_001290023.2); c.1960C>T, p.Gln654Ter (NM_001290024.2); c.1861C>T, p.Gln621Ter (NM_001440424.1, NM_001440425.1); short protein forms Q654*, Q614*, Q621*.
Identifiers: ClinVar variation 4727780 (VCV004727780.1).

ClinVar aggregate classification (germline): Pathogenic (1 of 4 stars; one submission).

Conditions:
Mendelian susceptibility to mycobacterial diseases due to complete IL12RB1 deficiency. Also called: IL12RB1 DEFICIENCY; Immunodeficiency 30. Identifiers: Orphanet 319552, MedGen C4013949, MONDO:0013955, OMIM 614891.

gnomAD v4.1: 1 of 1,605,578 alleles (0.000062%); no homozygotes.

Submission:

Labcorp Genetics (formerly Invitae), Labcorp
Classification: Pathogenic for Mendelian susceptibility to mycobacterial diseases due to complete IL12RB1 deficiency. Last evaluated: 2025-09-23. Review status: criteria provided, single submitter. Criteria: Invitae Variant Classification Sherloc (09022015). Collection method: clinical testing. Allele origin: germline.
Comment: This sequence change creates a premature translational stop signal (p.Gln614*) in the IL12RB1 gene. It is expected to result in an absent or disrupted protein product. Loss-of-function variants in IL12RB1 are known to be pathogenic (PMID: 9603733, 12591909). This variant is not present in population databases (gnomAD no frequency). This variant has not been reported in the literature in individuals affected with IL12RB1-related conditions. For these reasons, this variant has been classified as Pathogenic.

Literature cited by the submitters: PubMed 9603733; PubMed 12591909.